The following is an entry in ClinVar:

NM_001256007.3(PNPLA8):c.2167C>T (p.Arg723Ter)

Gene: PNPLA8 (patatin like domain 8, phospholipase A2; minus strand). Cytogenetic location: 7q31.1.
Variant type: single nucleotide variant.
Coding change: c.2167C>T on transcript NM_001256007.3 (MANE Select); coding-DNA position 2167, C replaced by T.
Protein change: p.Arg723Ter; replaces arginine 723 with a stop codon.
Molecular consequence: nonsense.
Genome position (GRCh38, 1-based): chr7:108,472,583, G>A on the plus strand (C>T on the coding strand, the complement: PNPLA8 is on the minus strand). VCF-style: chr7-108472583-G-A. GRCh37 (hg19) VCF-style: chr7-108113027-G-A.
Other names: c.2167C>T, p.Arg723Ter (NM_001256008.3, NM_015723.5); c.1981C>T, p.Arg661Ter (NM_001256009.3); c.1867C>T, p.Arg623Ter (NM_001256010.3, NM_001256011.3); short protein forms R623*, R723*, R661*.
Identifiers: ClinVar variation 2177027 (VCV002177027.4), dbSNP rs768930646, ClinGen allele CA4439364.

ClinVar aggregate classification (germline): Pathogenic (1 of 4 stars; one submission).

Allele frequency attached by ClinVar (database versions not stated): gnomAD exomes below 0.00001; ExAC 0.00001; gnomAD 0.00001; TOPMed 0.00002.
gnomAD v4.1: 3 of 1,612,254 alleles (0.00019%); highest among the groups gnomAD compares: African/African-American, 0.0027%; no homozygotes.

Submission:

Labcorp Genetics (formerly Invitae), Labcorp
Classification: Pathogenic. Last evaluated: 2024-10-29. Review status: criteria provided, single submitter. Criteria: Invitae Variant Classification Sherloc (09022015). Collection method: clinical testing. Allele origin: germline.
Comment: This sequence change creates a premature translational stop signal (p.Arg723*) in the PNPLA8 gene. While this is not anticipated to result in nonsense mediated decay, it is expected to disrupt the last 60 amino acid(s) of the PNPLA8 protein. This variant is present in population databases (rs768930646, gnomAD 0.007%). This variant has not been reported in the literature in individuals affected with PNPLA8-related conditions. ClinVar contains an entry for this variant (Variation ID: 2177027). Algorithms developed to predict the effect of sequence changes on RNA splicing suggest that this variant may disrupt the consensus splice site. This variant disrupts a region of the PNPLA8 protein in which other variant(s) (p.Leu759Alafs*4) have been determined to be pathogenic (PMID: 25512002, 29681094). This suggests that this is a clinically significant region of the protein, and that variants that disrupt it are likely to be disease-causing. For these reasons, this variant has been classified as Pathogenic.

Literature cited by the submitters: PubMed 25512002; PubMed 29681094.